The following is an entry in ClinVar:

ClinVar aggregate classification (germline): Pathogenic (1 of 4 stars; one submission).

Submission:

GeneDx
Classification: Pathogenic. Last evaluated: 2016-04-29. Review status: criteria provided, single submitter. Criteria: GeneDx Variant Classification (06012015). Collection method: clinical testing. Allele origin: germline. Affected: yes.
Comment: The c.723_725delAGGinsC variant in the CDC73 gene has not been published as a pathogenic variant, nor has it been reported as a benign variant to our knowledge. This variant causes a frameshift starting with codon Glycine 242, changes this amino acid to a Lysine residue and creates a premature Stop codon at position 24 of the new reading frame, denoted p.Gly242LysfsX24. This variant is predicted to cause loss of normal protein function either through protein truncation or nonsense-mediated mRNA decay. The variant was not observed in approximately 6,500 individuals of European and African American ancestry in the NHLBI Exome Sequencing Project, indicating it is not a common benign variant in these populations. Therefore, we consider this variant to be pathogenic.

NM_024529.5(CDC73):c.723_725delinsC (p.Gly242fs)

Gene: CDC73 (cell division cycle 73; plus strand). Cytogenetic location: 1q31.2.
Variant type: Indel.
Coding change: c.723_725delinsC on transcript NM_024529.5 (MANE Select); coding-DNA positions 723 to 725, AGG replaced by C.
Protein change: p.Gly242fs; shifts the reading frame from glycine 242.
Molecular consequence: frameshift variant.
Genome position (GRCh38, 1-based): chr1:193,142,060-193,142,062, AGG replaced by C. VCF-style: chr1-193142060-AGG-C. GRCh37 (hg19) VCF-style: chr1-193111190-AGG-C.
Other names: c.723_725delAGGinsC (NM_024529.4); short protein forms G242fs.
Identifiers: ClinVar variation 280360 (VCV000280360.2), dbSNP rs886041580, ClinGen allele CA10602747.